The following is an entry in ClinVar:

ClinVar aggregate classification (germline): Uncertain significance (1 of 4 stars; one submission).

Conditions:
Ehlers-Danlos syndrome, classic type, 1 (EDSCL1). Also called: EHLERS-DANLOS SYNDROME, GRAVIS TYPE; EHLERS-DANLOS SYNDROME, SEVERE CLASSIC TYPE; Ehlers-Danlos syndrome, type 1; Ehlers-Danlos Syndrome, Classic Type, COL5A1-Related; EDS I. Identifiers: MedGen C0268335, MONDO:0019567, OMIM 130000.

Allele frequency attached by ClinVar (database versions not stated): ExAC 0.00001; gnomAD exomes below 0.00001.
gnomAD v4.1: 1 of 1,614,046 alleles (0.000062%); highest among the groups gnomAD compares: African/African-American, 0.0013%; no homozygotes.

Submission:

Labcorp Genetics (formerly Invitae), Labcorp
Classification: Uncertain significance for Ehlers-Danlos syndrome, classic type, 1. Last evaluated: 2021-01-08. Review status: criteria provided, single submitter. Criteria: Invitae Variant Classification Sherloc (09022015). Collection method: clinical testing. Allele origin: germline.
Comment: In summary, the available evidence is currently insufficient to determine the role of this variant in disease. Therefore, it has been classified as a Variant of Uncertain Significance. Advanced modeling of protein sequence and biophysical properties (such as structural, functional, and spatial information, amino acid conservation, physicochemical variation, residue mobility, and thermodynamic stability) performed at Invitae indicates that this missense variant is not expected to disrupt COL5A1 protein function. This variant has not been reported in the literature in individuals with COL5A1-related conditions. This variant is present in population databases (rs773946732, ExAC 0.002%). This sequence change replaces proline with serine at codon 953 of the COL5A1 protein (p.Pro953Ser). The proline residue is highly conserved and there is a moderate physicochemical difference between proline and serine.

NM_000093.5(COL5A1):c.2857C>T (p.Pro953Ser)

Gene: COL5A1 (collagen type V alpha 1 chain; plus strand). Cytogenetic location: 9q34.3.
Variant type: single nucleotide variant.
Coding change: c.2857C>T on transcript NM_000093.5 (MANE Select); coding-DNA position 2857, C replaced by T.
Protein change: p.Pro953Ser; replaces proline 953 with serine.
Molecular consequence: missense variant.
Genome position (GRCh38, 1-based): chr9:134,796,860, C>T. VCF-style: chr9-134796860-C-T. GRCh37 (hg19) VCF-style: chr9-137688706-C-T.
Other names: c.2857C>T, p.Pro953Ser (NM_001278074.1); short protein forms P953S.
Identifiers: ClinVar variation 1443425 (VCV001443425.8), dbSNP rs773946732, ClinGen allele CA5319640.